The following is an entry in ClinVar:

NM_001283009.2(RTEL1):c.395+1G>T

Genes: RTEL1 (regulator of telomere elongation helicase 1; plus strand), RTEL1-TNFRSF6B (RTEL1-TNFRSF6B readthrough (NMD candidate); plus strand). Cytogenetic location: 20q13.33.
Variant type: single nucleotide variant.
Coding change: c.395+1G>T on transcript NM_001283009.2 (MANE Select); the canonical splice donor site of the intron after coding-DNA position 395, G replaced by T.
Molecular consequence: splice donor variant.
Genome position (GRCh38, 1-based): chr20:63,661,944, G>T. VCF-style: chr20-63661944-G-T. GRCh37 (hg19) VCF-style: chr20-62293297-G-T.
Other names: c.395+1G>T (NM_016434.4, NM_032957.5); c.-275+1G>T (NM_001283010.1).
Identifiers: ClinVar variation 2925061 (VCV002925061.3), dbSNP rs2516994656, ClinGen allele CA409668868.
Genomic context (GRCh38, chr20:63,661,944, plus strand): 5'-CTCCAGGACCCACTCGCAACTCACACAGGTCATCAACGAGCTTCGGAACACCTCCTACCG[G>T]TGGGTCAGACGAGTTTACACCTGTCTCGGGGTCCTCAAGAGAACCAGCTTGGCATGGTGC-3'

ClinVar aggregate classification (germline): Likely pathogenic (1 of 4 stars; one submission).

Conditions:
Dyskeratosis congenita, autosomal recessive 5 (DKCB5). Identifiers: MedGen C3554656, MONDO:0014076, OMIM 615190.
Pulmonary fibrosis and/or bone marrow failure, Telomere-related, 3. Also called: PULMONARY FIBROSIS AND/OR BONE MARROW FAILURE SYNDROME, TELOMERE-RELATED, 3. Identifiers: Orphanet 2032, MedGen C4225346, MONDO:0014613, OMIM 616373.

Submission:

Labcorp Genetics (formerly Invitae), Labcorp
Classification: Likely pathogenic for Dyskeratosis congenita, autosomal recessive 5; Pulmonary fibrosis and/or bone marrow failure, Telomere-related, 3. Last evaluated: 2022-12-23. Review status: criteria provided, single submitter. Criteria: Invitae Variant Classification Sherloc (09022015). Collection method: clinical testing. Allele origin: germline.
Comment: In summary, the currently available evidence indicates that the variant is pathogenic, but additional data are needed to prove that conclusively. Therefore, this variant has been classified as Likely Pathogenic. Algorithms developed to predict the effect of sequence changes on RNA splicing suggest that this variant may disrupt the consensus splice site. This variant has not been reported in the literature in individuals affected with RTEL1-related conditions. This variant is not present in population databases (gnomAD no frequency). This sequence change affects a donor splice site in intron 4 of the RTEL1 gene. It is expected to disrupt RNA splicing. Variants that disrupt the donor or acceptor splice site typically lead to a loss of protein function (PMID: 16199547), and loss-of-function variants in RTEL1 are known to be pathogenic (PMID: 23453664, 23959892, 25607374).

Literature cited by the submitters: PubMed 16199547; PubMed 23453664; PubMed 23959892; PubMed 25607374.